The following is an entry in ClinVar:

ClinVar aggregate classification (germline): Uncertain significance (1 of 4 stars; one submission).

Submission:

Labcorp Genetics (formerly Invitae), Labcorp
Classification: Uncertain significance. Last evaluated: 2021-09-29. Review status: criteria provided, single submitter. Criteria: Invitae Variant Classification Sherloc (09022015). Collection method: clinical testing. Allele origin: germline.
Comment: This variant has not been reported in the literature in individuals affected with POLE-related conditions. In summary, the available evidence is currently insufficient to determine the role of this variant in disease. Therefore, it has been classified as a Variant of Uncertain Significance. Variants that disrupt the consensus splice site are a relatively common cause of aberrant splicing (PMID: 17576681, 9536098). Algorithms developed to predict the effect of sequence changes on RNA splicing suggest that this variant is not likely to affect RNA splicing. This variant is not present in population databases (ExAC no frequency). This sequence change falls in intron 37 of the POLE gene. It does not directly change the encoded amino acid sequence of the POLE protein. It affects a nucleotide within the consensus splice site of the intron.

Literature cited by the submitters: PubMed 17576681; PubMed 9536098.

NM_006231.4(POLE):c.4952+3G>A

Gene: POLE (DNA polymerase epsilon, catalytic subunit; minus strand). Cytogenetic location: 12q24.33.
Variant type: single nucleotide variant.
Coding change: c.4952+3G>A on transcript NM_006231.4 (MANE Select); 3 bases into the intron after coding-DNA position 4952, G replaced by A.
Molecular consequence: intron variant.
Genome position (GRCh38, 1-based): chr12:132,642,503, C>T on the plus strand (G>A on the coding strand, the complement: POLE is on the minus strand). VCF-style: chr12-132642503-C-T. GRCh37 (hg19) VCF-style: chr12-133219089-C-T.
Identifiers: ClinVar variation 1436697 (VCV001436697.6), dbSNP rs2138533289, ClinGen allele CA2573148236.